The following is an entry in ClinVar:

ClinVar aggregate classification (germline): Likely benign. Review status: criteria provided, multiple submitters, no conflicts (2 of 4 stars). 3 submissions from 3 submitters: Likely benign (3). Last evaluated 2024-02-17.

Allele frequency attached by ClinVar (database versions not stated): TOPMed 0.00003; ExAC 0.00004; gnomAD 0.00004 and 0.00005; gnomAD exomes 0.00006.
gnomAD v4.1: 98 of 1,613,710 alleles (0.0061%); highest among the groups gnomAD compares: Non-Finnish European, 0.0082%; no homozygotes.

Submissions (3):

Labcorp Genetics (formerly Invitae), Labcorp
Classification: Likely benign. Last evaluated: 2024-02-17. Review status: criteria provided, single submitter. Criteria: Invitae Variant Classification Sherloc (09022015). Collection method: clinical testing. Allele origin: germline.

CeGaT Center for Human Genetics Tuebingen
Classification: Likely benign. Last evaluated: 2022-12-01. Review status: criteria provided, single submitter. Criteria: CeGaT Center For Human Genetics Tuebingen Variant Classification Criteria Version 2. Collection method: clinical testing. Allele origin: germline. Affected: yes. Observed: 1 variant allele.
Comment: UQCRC2: BP4, BP7

GeneDx
Classification: Likely benign. Last evaluated: 2018-01-22. Review status: criteria provided, single submitter. Criteria: GeneDx Variant Classification (06012015). Collection method: clinical testing. Allele origin: germline. Affected: yes.
Comment: This variant is considered likely benign or benign based on one or more of the following criteria: it is a conservative change, it occurs at a poorly conserved position in the protein, it is predicted to be benign by multiple in silico algorithms, and/or has population frequency not consistent with disease.

NM_003366.4(UQCRC2):c.567C>T (p.Pro189=)

Genes: PDZD9 (PDZ domain containing 9), UQCRC2 (ubiquinol-cytochrome c reductase core protein 2). Cytogenetic location: 16p12.2.
Variant type: single nucleotide variant.
Coding change: c.567C>T on transcript NM_003366.4 (MANE Select); coding-DNA position 567, C replaced by T.
Protein change: p.Pro189=; no amino-acid change (proline 189 retained).
Molecular consequence: synonymous variant.
Genome position (GRCh38, 1-based): chr16:21,965,460, C>T. VCF-style: chr16-21965460-C-T. GRCh37 (hg19) VCF-style: chr16-21976781-C-T.
Identifiers: ClinVar variation 514605 (VCV000514605.32), dbSNP rs777593291, ClinGen allele CA7953795.